The following is an entry in ClinVar:

NM_031263.4(HNRNPK):c.248G>A (p.Gly83Asp)

Genes: HNRNPK (heterogeneous nuclear ribonucleoprotein K; minus strand), HNRNPK-AS1 (HNRNPK antisense RNA 1; plus strand). Cytogenetic location: 9q21.32.
Variant type: single nucleotide variant.
Coding change: c.248G>A on transcript NM_031263.4 (MANE Select); coding-DNA position 248, G replaced by A.
Protein change: p.Gly83Asp; replaces glycine 83 with aspartic acid.
Molecular consequence: missense variant.
Genome position (GRCh38, 1-based): chr9:83,975,471, C>T on the plus strand (G>A on the coding strand, the complement: HNRNPK is on the minus strand). VCF-style: chr9-83975471-C-T. GRCh37 (hg19) VCF-style: chr9-86590386-C-T.
Other names: c.248G>A, p.Gly83Asp (NM_001318186.2, NM_001318187.2, NM_001318188.2 and 2 more transcripts); short protein forms G83D.
Identifiers: ClinVar variation 421187 (VCV000421187.5), dbSNP rs1064794967, ClinGen allele CA16618863.

ClinVar aggregate classification (germline): Likely pathogenic. Review status: criteria provided, multiple submitters, no conflicts (2 of 4 stars). 2 submissions from 2 submitters: Likely pathogenic (2). Last evaluated 2018-07-13.

Conditions:
Inborn genetic diseases. Identifiers: MedGen C0950123, MeSH D030342.

Submissions (2):

Ambry Genetics
Classification: Likely pathogenic for Inborn genetic diseases. Last evaluated: 2018-07-13. Review status: criteria provided, single submitter. Criteria: Ambry exome assertion method (8-5-2015). Collection method: clinical testing. Allele origin: germline. Affected: yes. Observed: 1 variant allele.

GeneDx
Classification: Likely pathogenic. Last evaluated: 2016-05-10. Review status: criteria provided, single submitter. Criteria: GeneDx Variant Classification (06012015). Collection method: clinical testing. Allele origin: germline. Affected: yes.
Comment: The G83D variant in the HNRNPK gene has not been reported previously as a pathogenic variant, nor as a benign variant, to our knowledge. The G83D variant was not observed in approximately 6500 individuals of European and African American ancestry in the NHLBI Exome Sequencing Project, indicating it is not a common benign variant in these populations. The G83D variant is a non-conservative amino acid substitution, which is likely to impact secondary protein structure as these residues differ in polarity, charge, size and/or other properties. This substitution occurs at a position that is conserved across species. In silico analysis predicts this variant is inconsistent in its predictions as to whether or not the variant is damaging to the protein structure/function. The G83D variant is a strong candidate for a pathogenic variant, however the possibility it may be a rare benign variant cannot be excluded.

Literature cited by the submitters: PubMed 26173930 (cited by Ambry Genetics).